The following is an entry in ClinVar:

NM_002602.4(PDE6G):c.*233T>C

Gene: PDE6G (phosphodiesterase 6G; minus strand). Cytogenetic location: 17q25.3.
Variant type: single nucleotide variant.
Coding change: c.*233T>C on transcript NM_002602.4 (MANE Select); 233 bases downstream of the stop codon, T replaced by C.
Molecular consequence: 3 prime UTR variant. On other transcripts: non-coding transcript variant (2).
Genome position (GRCh38, 1-based): chr17:81,650,841, A>G on the plus strand (T>C on the coding strand, the complement: PDE6G is on the minus strand). VCF-style: chr17-81650841-A-G. GRCh37 (hg19) VCF-style: chr17-79617871-A-G.
Other names: c.*233T>C (NM_001365724.1, NM_001365725.1).
Identifiers: ClinVar variation 325858 (VCV000325858.6), dbSNP rs8908, ClinGen allele CA8838940.

ClinVar aggregate classification (germline): Benign. Review status: criteria provided, multiple submitters, no conflicts (2 of 4 stars). 2 submissions from 2 submitters: Benign (2). Last evaluated 2018-01-13.

Conditions:
Retinitis pigmentosa (RP). Identifiers: Orphanet 791, MedGen C0035334, MeSH D012174, MONDO:0019200, OMIM 268000. Inheritance: Autosomal dominant, autosomal recessive and X linked inheritance.

Allele frequency attached by ClinVar (database versions not stated): gnomAD exomes 0.48247 and 0.54497; gnomAD 0.49123 and 0.50187; TOPMed 0.52849; ExAC 0.56255; 1000 Genomes Project 30x 0.66521; 1000 Genomes Project 0.66873.
gnomAD v4.1: 299,256 of 614,866 alleles (49%); highest among the groups gnomAD compares: East Asian, 100%; 81,892 homozygotes.

Submissions (2):

Illumina Laboratory Services, Illumina
Classification: Benign for Retinitis pigmentosa. Last evaluated: 2018-01-13. Review status: criteria provided, single submitter. Criteria: ICSL Variant Classification Criteria 13 December 2019. Collection method: clinical testing. Allele origin: germline.
Comment: This variant was observed in the ICSL laboratory as part of a predisposition screen in an ostensibly healthy population. It had not been previously curated by ICSL or reported in the Human Gene Mutation Database (HGMD: prior to June 1st, 2018), and was therefore a candidate for classification through an automated scoring system. Utilizing variant allele frequency, disease prevalence and penetrance estimates, and inheritance mode, an automated score was calculated to assess if this variant is too frequent to cause the disease. Based on the score and internal cut-off values, a variant classified as benign is not then subjected to further curation. The score for this variant resulted in a classification of benign for this disease.

Breakthrough Genomics
Classification: Benign. Review status: criteria provided, single submitter. Criteria: ACMG Guidelines, 2015. Collection method: not provided. Allele origin: germline. Inheritance: Autosomal recessive inheritance. Affected: yes.